The following is an entry in ClinVar:

ClinVar aggregate classification (germline): Uncertain significance (1 of 4 stars; one submission).

Conditions:
Myoclonic dystonia 11 (DYT11). Also called: Myoclonic dystonia; Dystonia 11; Dystonia, alcohol responsive; Hereditary essential myoclonus; SGCE Myoclonus-Dystonia; Myoclonus-Dystonia. Identifiers: Orphanet 36899, MedGen C1834570, MONDO:0008044, OMIM 159900.

gnomAD v4.1: 1 of 1,613,022 alleles (0.000062%); highest among the groups gnomAD compares: Non-Finnish European, 0.000085%; no homozygotes.

Submission:

Labcorp Genetics (formerly Invitae), Labcorp
Classification: Uncertain significance for Myoclonic dystonia 11. Last evaluated: 2024-08-15. Review status: criteria provided, single submitter. Criteria: Invitae Variant Classification Sherloc (09022015). Collection method: clinical testing. Allele origin: germline.
Comment: This sequence change replaces glycine, which is neutral and non-polar, with arginine, which is basic and polar, at codon 293 of the SGCE protein (p.Gly293Arg). This variant is not present in population databases (gnomAD no frequency). This variant has not been reported in the literature in individuals affected with SGCE-related conditions. Invitae Evidence Modeling of protein sequence and biophysical properties (such as structural, functional, and spatial information, amino acid conservation, physicochemical variation, residue mobility, and thermodynamic stability) has been performed for this missense variant. However, the output from this modeling did not meet the statistical confidence thresholds required to predict the impact of this variant on SGCE protein function. In summary, the available evidence is currently insufficient to determine the role of this variant in disease. Therefore, it has been classified as a Variant of Uncertain Significance.

NM_003919.3(SGCE):c.877G>C (p.Gly293Arg)

Genes: CASD1 (CAS1 domain sialic acid O acetyltransferase 1; plus strand), SGCE (sarcoglycan epsilon; minus strand). Cytogenetic location: 7q21.3.
Variant type: single nucleotide variant.
Coding change: c.877G>C on transcript NM_003919.3 (MANE Select); coding-DNA position 877, G replaced by C.
Protein change: p.Gly293Arg; replaces glycine 293 with arginine.
Molecular consequence: missense variant.
Genome position (GRCh38, 1-based): chr7:94,600,806, C>G on the plus strand (G>C on the coding strand, the complement: SGCE is on the minus strand). VCF-style: chr7-94600806-C-G. GRCh37 (hg19) VCF-style: chr7-94230118-C-G.
Other names: c.877G>C, p.Gly293Arg (NM_001099400.2, NM_001099401.2, NM_001346717.2); c.754G>C, p.Gly252Arg (NM_001301139.2, NM_001362809.2); c.985G>C, p.Gly329Arg (NM_001346713.2, NM_001346715.2); c.790G>C, p.Gly264Arg (NM_001346719.2, NM_001362807.2); c.604G>C, p.Gly202Arg (NM_001346720.2, NM_001362808.2); short protein forms G264R, G329R, G252R, G202R, G293R.
Identifiers: ClinVar variation 3630132 (VCV003630132.2).